The following is an entry in ClinVar:

ClinVar aggregate classification (germline): Uncertain significance. Review status: criteria provided, multiple submitters, no conflicts (2 of 4 stars). 2 submissions from 2 submitters: Uncertain significance (2). Last evaluated 2024-11-23.

Conditions:
Inborn genetic diseases. Identifiers: MedGen C0950123, MeSH D030342.

gnomAD v4.1: 2 of 1,614,132 alleles (0.00012%); highest among the groups gnomAD compares: Admixed American, 0.0033%; no homozygotes.

Submissions (2):

Ambry Genetics
Classification: Uncertain significance for Inborn genetic diseases. Last evaluated: 2024-11-23. Review status: criteria provided, single submitter. Criteria: Ambry Variant Classification Scheme 2023. Collection method: clinical testing. Allele origin: germline.
Comment: The p.L123V variant (also known as c.367C>G), located in coding exon 3 of the USB1 gene, results from a C to G substitution at nucleotide position 367. The leucine at codon 123 is replaced by valine, an amino acid with highly similar properties. This amino acid position is conserved. In addition, the in silico prediction for this alteration is inconclusive. Based on the available evidence, the clinical significance of this variant remains unclear.

Labcorp Genetics (formerly Invitae), Labcorp
Classification: Uncertain significance. Last evaluated: 2022-12-26. Review status: criteria provided, single submitter. Criteria: Invitae Variant Classification Sherloc (09022015). Collection method: clinical testing. Allele origin: germline.
Comment: In summary, the available evidence is currently insufficient to determine the role of this variant in disease. Therefore, it has been classified as a Variant of Uncertain Significance. This sequence change replaces leucine, which is neutral and non-polar, with valine, which is neutral and non-polar, at codon 123 of the USB1 protein (p.Leu123Val). This variant is present in population databases (rs777694507, gnomAD 0.006%). This variant has not been reported in the literature in individuals affected with USB1-related conditions. ClinVar contains an entry for this variant (Variation ID: 1485441). Advanced modeling of protein sequence and biophysical properties (such as structural, functional, and spatial information, amino acid conservation, physicochemical variation, residue mobility, and thermodynamic stability) performed at Invitae indicates that this missense variant is not expected to disrupt USB1 protein function.

NM_024598.4(USB1):c.367C>G (p.Leu123Val)

Gene: USB1 (U6 snRNA biogenesis phosphodiesterase 1; plus strand). Cytogenetic location: 16q21.
Variant type: single nucleotide variant.
Coding change: c.367C>G on transcript NM_024598.4 (MANE Select); coding-DNA position 367, C replaced by G.
Protein change: p.Leu123Val; replaces leucine 123 with valine.
Molecular consequence: missense variant.
Genome position (GRCh38, 1-based): chr16:58,010,030, C>G. VCF-style: chr16-58010030-C-G. GRCh37 (hg19) VCF-style: chr16-58043934-C-G.
Other names: c.367C>G (NM_024598.3); c.367C>G, p.Leu123Val (NM_001195302.2, NM_001204911.2, NM_001330569.2); c.214C>G, p.Leu72Val (NM_001330568.2); short protein forms L123V, L72V.
Identifiers: ClinVar variation 1485441 (VCV001485441.9), dbSNP rs777694507, ClinGen allele CA8084887.